The following is an entry in ClinVar:

NM_006294.5(UQCRB):c.82A>T (p.Asn28Tyr)

Gene: UQCRB (ubiquinol-cytochrome c reductase binding protein; minus strand). Cytogenetic location: 8q22.1.
Variant type: single nucleotide variant.
Coding change: c.82A>T on transcript NM_006294.5 (MANE Select); coding-DNA position 82, A replaced by T.
Protein change: p.Asn28Tyr; replaces asparagine 28 with tyrosine.
Molecular consequence: missense variant. On other transcripts: 5 prime UTR variant (1), non-coding transcript variant (1).
Genome position (GRCh38, 1-based): chr8:96,233,165, T>A on the plus strand (A>T on the coding strand, the complement: UQCRB is on the minus strand). VCF-style: chr8-96233165-T-A. GRCh37 (hg19) VCF-style: chr8-97245393-T-A.
Other names: c.-15A>T (NM_001199975.3); c.82A>T, p.Asn28Tyr (NM_001254752.2); short protein forms N28Y.
Identifiers: ClinVar variation 1430342 (VCV001430342.6), dbSNP rs149667453, ClinGen allele CA4815976.

ClinVar aggregate classification (germline): Uncertain significance (1 of 4 stars; one submission).

Allele frequency attached by ClinVar (database versions not stated): gnomAD exomes 0.00002 and 0.00008; ExAC 0.00010; gnomAD 0.00026; TOPMed 0.00027; ESP Exome Variant Server 0.00038; 1000 Genomes Project 0.00060; 1000 Genomes Project 30x 0.00062.

Submission:

Labcorp Genetics (formerly Invitae), Labcorp
Classification: Uncertain significance. Last evaluated: 2025-08-31. Review status: criteria provided, single submitter. Criteria: Invitae Variant Classification Sherloc (09022015). Collection method: clinical testing. Allele origin: germline.
Comment: This sequence change replaces asparagine, which is neutral and polar, with tyrosine, which is neutral and polar, at codon 28 of the UQCRB protein (p.Asn28Tyr). This variant is present in population databases (rs149667453, gnomAD 0.08%), and has an allele count higher than expected for a pathogenic variant. This variant has not been reported in the literature in individuals affected with UQCRB-related conditions. ClinVar contains an entry for this variant (Variation ID: 1430342). An algorithm developed to predict the effect of missense changes on protein structure and function (PolyPhen-2) suggests that this variant is likely to be disruptive. In summary, the available evidence is currently insufficient to determine the role of this variant in disease. Therefore, it has been classified as a Variant of Uncertain Significance.